The following is an entry in ClinVar:

NM_000455.5(STK11):c.1084T>A (p.Tyr362Asn)

Genes: STK11 (serine/threonine kinase 11; plus strand), LOC130062899 (ATAC-STARR-seq lymphoblastoid active region 13597; plus strand). Cytogenetic location: 19p13.3.
Variant type: single nucleotide variant.
Coding change: c.1084T>A on transcript NM_000455.5 (MANE Select); coding-DNA position 1084, T replaced by A.
Protein change: p.Tyr362Asn; replaces tyrosine 362 with asparagine.
Molecular consequence: missense variant.
Genome position (GRCh38, 1-based): chr19:1,223,148, T>A. VCF-style: chr19-1223148-T-A. GRCh37 (hg19) VCF-style: chr19-1223147-T-A.
Other names: c.1084T>A, p.Tyr362Asn (NM_001407255.1); short protein forms Y362N.
Identifiers: ClinVar variation 1901871 (VCV001901871.6), dbSNP rs2145431404, ClinGen allele CA402951917.
Genomic context (GRCh38, chr19:1,223,148, plus strand): 5'-GAGGACCTGCACGGCGCGGACGAGGACGAGGACCTCTTCGACATCGAGGATGACATCATC[T>A]ACACTCAGGACTTCACGGTGCCCGGTGAGTCTGGCGGGGGCCCCTGCCCGGCTCTGCTGA-3'
Protein context (NP_000446.1, residues 352-372): DLFDIEDDII[Tyr362Asn]TQDFTVPGQV

ClinVar aggregate classification (germline): Uncertain significance. Review status: criteria provided, multiple submitters, no conflicts (2 of 4 stars). 2 submissions from 2 submitters: Uncertain significance (2). Last evaluated 2026-07-07.

Conditions:
Hereditary cancer-predisposing syndrome. Also called: Hereditary neoplastic syndrome; Neoplastic Syndromes, Hereditary; Tumor predisposition; Hereditary Cancer Syndrome. Identifiers: Orphanet 140162, MedGen C0027672, MeSH D009386, MONDO:0015356.
Peutz-Jeghers syndrome (PJS). Also called: POLYPOSIS, HAMARTOMATOUS INTESTINAL; POLYPS-AND-SPOTS SYNDROME; Peutz-Jeghers polyposis; Periorificial lentiginosis syndrome. Identifiers: Orphanet 2869, MedGen C0031269, MeSH D010580, MONDO:0008280, OMIM 175200.

Submissions (2):

Ambry Genetics
Classification: Uncertain significance for Hereditary cancer-predisposing syndrome. Last evaluated: 2026-07-07. Review status: criteria provided, single submitter. Criteria: Ambry Variant Classification Scheme 2023. Collection method: clinical testing. Allele origin: germline.
Comment: The p.Y362N variant (also known as c.1084T>A), located in coding exon 8 of the STK11 gene, results from a T to A substitution at nucleotide position 1084. The tyrosine at codon 362 is replaced by asparagine, an amino acid with dissimilar properties. This amino acid position is conserved. In addition, the in silico prediction for this alteration is inconclusive. Based on the available evidence, the clinical significance of this variant remains unclear.

Labcorp Genetics (formerly Invitae), Labcorp
Classification: Uncertain significance for Peutz-Jeghers syndrome. Last evaluated: 2022-11-01. Review status: criteria provided, single submitter. Criteria: Invitae Variant Classification Sherloc (09022015). Collection method: clinical testing. Allele origin: germline.
Comment: In summary, the available evidence is currently insufficient to determine the role of this variant in disease. Therefore, it has been classified as a Variant of Uncertain Significance. Advanced modeling of protein sequence and biophysical properties (such as structural, functional, and spatial information, amino acid conservation, physicochemical variation, residue mobility, and thermodynamic stability) performed at Invitae indicates that this missense variant is not expected to disrupt STK11 protein function. This variant has not been reported in the literature in individuals affected with STK11-related conditions. This variant is not present in population databases (gnomAD no frequency). This sequence change replaces tyrosine, which is neutral and polar, with asparagine, which is neutral and polar, at codon 362 of the STK11 protein (p.Tyr362Asn).